The following is an entry in ClinVar:

ClinVar aggregate classification (germline): Uncertain significance (1 of 4 stars; one submission).

Conditions:
Inborn genetic diseases. Identifiers: MedGen C0950123, MeSH D030342.

Submission:

Ambry Genetics
Classification: Uncertain significance for Inborn genetic diseases. Last evaluated: 2025-08-25. Review status: criteria provided, single submitter. Criteria: Ambry Variant Classification Scheme 2023. Collection method: clinical testing. Allele origin: germline.
Comment: The p.G391R variant (also known as c.1171G>C), located in coding exon 1 of the SAMD9 gene, results from a G to C substitution at nucleotide position 1171. The glycine at codon 391 is replaced by arginine, an amino acid with dissimilar properties. This amino acid position is conserved. In addition, this alteration is predicted to be deleterious by in silico analysis. Based on the available evidence, the clinical significance of this variant remains unclear.

NM_017654.4(SAMD9):c.1171G>C (p.Gly391Arg)

Gene: SAMD9 (sterile alpha motif domain containing 9; minus strand). Cytogenetic location: 7q21.2.
Variant type: single nucleotide variant.
Coding change: c.1171G>C on transcript NM_017654.4 (MANE Select); coding-DNA position 1171, G replaced by C.
Protein change: p.Gly391Arg; replaces glycine 391 with arginine.
Molecular consequence: missense variant.
Genome position (GRCh38, 1-based): chr7:93,104,927, C>G on the plus strand (G>C on the coding strand, the complement: SAMD9 is on the minus strand). VCF-style: chr7-93104927-C-G. GRCh37 (hg19) VCF-style: chr7-92734240-C-G.
Other names: c.1171G>C, p.Gly391Arg (NM_001193307.2); short protein forms G391R.
Identifiers: ClinVar variation 4159185 (VCV004159185.1).